The following is an entry in ClinVar:

NM_020937.4(FANCM):c.2205A>T (p.Glu735Asp)

Gene: FANCM (FA complementation group M; plus strand). Cytogenetic location: 14q21.2.
Variant type: single nucleotide variant.
Coding change: c.2205A>T on transcript NM_020937.4 (MANE Select); coding-DNA position 2205, A replaced by T.
Protein change: p.Glu735Asp; replaces glutamic acid 735 with aspartic acid.
Molecular consequence: missense variant.
Genome position (GRCh38, 1-based): chr14:45,173,099, A>T. VCF-style: chr14-45173099-A-T. GRCh37 (hg19) VCF-style: chr14-45642302-A-T.
Other names: c.2127A>T, p.Glu709Asp (NM_001308133.2); short protein forms E709D, E735D.
Identifiers: ClinVar variation 1320624 (VCV001320624.11), dbSNP rs759456936, ClinGen allele CA389596674.

ClinVar aggregate classification (germline): Uncertain significance. Review status: criteria provided, multiple submitters, no conflicts (2 of 4 stars). 3 submissions from 3 submitters: Uncertain significance (3). Last evaluated 2025-10-21.

Conditions:
Inborn genetic diseases. Identifiers: MedGen C0950123, MeSH D030342.
Fanconi anemia (FA). Also called: Fanconi's anemia. Identifiers: Orphanet 84, MedGen C0015625, MeSH D005199, MONDO:0019391.

Allele frequency attached by ClinVar (database versions not stated): gnomAD exomes 0.00001.
gnomAD v4.1: 6 of 1,611,922 alleles (0.00037%); highest among the groups gnomAD compares: Non-Finnish European, 0.00051%; no homozygotes.

Submissions (3):

Labcorp Genetics (formerly Invitae), Labcorp
Classification: Uncertain significance for Fanconi anemia. Last evaluated: 2025-10-21. Review status: criteria provided, single submitter. Criteria: Invitae Variant Classification Sherloc (09022015). Collection method: clinical testing. Allele origin: germline.
Comment: This sequence change replaces glutamic acid, which is acidic and polar, with aspartic acid, which is acidic and polar, at codon 735 of the FANCM protein (p.Glu735Asp). This variant is not present in population databases (gnomAD no frequency). This variant has not been reported in the literature in individuals affected with FANCM-related conditions. ClinVar contains an entry for this variant (Variation ID: 1320624). An algorithm developed to predict the effect of missense changes on protein structure and function (PolyPhen-2) suggests that this variant is likely to be tolerated. In summary, the available evidence is currently insufficient to determine the role of this variant in disease. Therefore, it has been classified as a Variant of Uncertain Significance.

Ambry Genetics
Classification: Uncertain significance for Inborn genetic diseases. Last evaluated: 2024-12-24. Review status: criteria provided, single submitter. Criteria: Ambry Variant Classification Scheme 2023. Collection method: clinical testing. Allele origin: germline.

GeneDx
Classification: Uncertain significance. Last evaluated: 2021-05-05. Review status: criteria provided, single submitter. Criteria: GeneDx Variant Classification Process June 2021. Collection method: clinical testing. Allele origin: germline. Affected: yes.
Comment: Not observed in large population cohorts (Lek et al., 2016); In silico analysis supports that this missense variant does not alter protein structure/function; Has not been previously published as pathogenic or benign to our knowledge